The following is an entry in ClinVar:

ClinVar aggregate classification (germline): Uncertain significance. Review status: criteria provided, multiple submitters, no conflicts (2 of 4 stars). 2 submissions from 2 submitters: Uncertain significance (2). Last evaluated 2025-12-30.

Conditions:
Inborn genetic diseases. Identifiers: MedGen C0950123, MeSH D030342.
ADCY3-related disorder. Also called: ADCY3-related condition.

gnomAD v4.1: 8 of 1,589,606 alleles (0.0005%); highest among the groups gnomAD compares: Non-Finnish European, 0.00069%; no homozygotes.

Submissions (2):

Ambry Genetics
Classification: Uncertain significance for Inborn genetic diseases. Last evaluated: 2025-12-30. Review status: criteria provided, single submitter. Criteria: Ambry Variant Classification Scheme 2023. Collection method: clinical testing. Allele origin: germline.
Comment: The c.2461C>A (p.Q821K) alteration is located in exon 14 (coding exon 14) of the ADCY3 gene. This alteration results from a C to A substitution at nucleotide position 2461, causing the glutamine (Q) at amino acid position 821 to be replaced by a lysine (K). Based on data from gnomAD, the A allele has an overall frequency of <0.001% (0/213698) total alleles studied. The highest observed frequency was <0.001% (/) of alleles. Based on insufficient or conflicting evidence, the clinical significance of this alteration remains unclear.

PreventionGenetics, part of Exact Sciences
Classification: Uncertain significance for ADCY3-related condition. Last evaluated: 2025-09-02. Review status: criteria provided, single submitter. Criteria: ACMG Guidelines, 2015. Collection method: clinical testing. Allele origin: germline.
Comment: The ADCY3 c.2461C>A variant is predicted to result in the amino acid substitution p.Gln821Lys. To our knowledge, this variant has not been reported in the literature or a large population database (gnomAD). At this time, the clinical significance of this variant is uncertain due to the absence of conclusive functional and genetic evidence.

NM_004036.5(ADCY3):c.2461C>A (p.Gln821Lys)

Gene: ADCY3 (adenylate cyclase 3; minus strand). Cytogenetic location: 2p23.3.
Variant type: single nucleotide variant.
Coding change: c.2461C>A on transcript NM_004036.5 (MANE Select); coding-DNA position 2461, C replaced by A.
Protein change: p.Gln821Lys; replaces glutamine 821 with lysine.
Molecular consequence: missense variant. On other transcripts: intron variant (1).
Genome position (GRCh38, 1-based): chr2:24,827,580, G>T on the plus strand (C>A on the coding strand, the complement: ADCY3 is on the minus strand). VCF-style: chr2-24827580-G-T. GRCh37 (hg19) VCF-style: chr2-25050449-G-T.
Other names: c.2461C>A (NM_001320613.1); c.2461C>A, p.Gln821Lys (NM_001320613.2, NM_001377132.1); c.2527C>A, p.Gln843Lys (NM_001377128.1); c.2323C>A, p.Gln775Lys (NM_001377129.1); c.1738C>A, p.Gln580Lys (NM_001377131.1); c.2173-3044C>A (NM_001377130.1); short protein forms Q821K, Q843K, Q775K, Q580K.
Identifiers: ClinVar variation 4838728 (VCV004838728.2).